The following is an entry in ClinVar:

ClinVar aggregate classification (germline): Pathogenic (1 of 4 stars; one submission).

Submission:

Labcorp Genetics (formerly Invitae), Labcorp
Classification: Pathogenic. Last evaluated: 2023-01-20. Review status: criteria provided, single submitter. Criteria: Invitae Variant Classification Sherloc (09022015). Collection method: clinical testing. Allele origin: germline.
Comment: This sequence change creates a premature translational stop signal (p.Gln58*) in the TTC37 gene. It is expected to result in an absent or disrupted protein product. Loss-of-function variants in TTC37 are known to be pathogenic (PMID: 20176027, 21120949). For these reasons, this variant has been classified as Pathogenic. This variant has not been reported in the literature in individuals affected with TTC37-related conditions. This variant is not present in population databases (gnomAD no frequency).

Literature cited by the submitters: PubMed 20176027; PubMed 21120949.

NM_014639.4(SKIC3):c.172C>T (p.Gln58Ter)

Gene: SKIC3 (SKI3 subunit of superkiller complex; minus strand). Cytogenetic location: 5q15.
Variant type: single nucleotide variant.
Coding change: c.172C>T on transcript NM_014639.4 (MANE Select); coding-DNA position 172, C replaced by T.
Protein change: p.Gln58Ter; replaces glutamine 58 with a stop codon.
Molecular consequence: nonsense.
Genome position (GRCh38, 1-based): chr5:95,543,246, G>A on the plus strand (C>T on the coding strand, the complement: SKIC3 is on the minus strand). VCF-style: chr5-95543246-G-A. GRCh37 (hg19) VCF-style: chr5-94878950-G-A.
Other names: short protein forms Q58*.
Identifiers: ClinVar variation 2830406 (VCV002830406.3), dbSNP rs1748122848, ClinGen allele CA360446557.
Genomic context (GRCh38, chr5:95,543,246, plus strand): 5'-GCCAAGCTAGTAATTGGTCTGGCTCTAATTCAGCAGCTTTTTTATAGGCACTCTGGGCCT[G>A]ATCAGGTTGTTCTAGTTCAGCTGCAGCAACGCCAATAAAAACCCAGGCATTATAGTTATT-3'